The following is an entry in ClinVar:

NM_020921.4(NIN):c.2321T>C (p.Val774Ala)

Gene: NIN (ninein; minus strand). Cytogenetic location: 14q22.1.
Variant type: single nucleotide variant.
Coding change: c.2321T>C on transcript NM_020921.4 (MANE Select); coding-DNA position 2321, T replaced by C.
Protein change: p.Val774Ala; replaces valine 774 with alanine.
Molecular consequence: missense variant.
Genome position (GRCh38, 1-based): chr14:50,759,935, A>G on the plus strand (T>C on the coding strand, the complement: NIN is on the minus strand). VCF-style: chr14-50759935-A-G. GRCh37 (hg19) VCF-style: chr14-51226653-A-G.
Other names: c.2321T>C, p.Val774Ala (NM_016350.5, NM_182944.3, NM_182946.2); short protein forms V774A.
Identifiers: ClinVar variation 3405651 (VCV003405651.2).

ClinVar aggregate classification (germline): Uncertain significance. Review status: criteria provided, multiple submitters, no conflicts (2 of 4 stars). 2 submissions from 2 submitters: Uncertain significance (2). Last evaluated 2025-06-10.

gnomAD v4.1: 7 of 1,613,820 alleles (0.00043%); highest among the groups gnomAD compares: African/African-American, 0.0013%; no homozygotes.

Submissions (2):

Labcorp Genetics (formerly Invitae), Labcorp
Classification: Uncertain significance. Last evaluated: 2025-06-10. Review status: criteria provided, single submitter. Criteria: Invitae Variant Classification Sherloc (09022015). Collection method: clinical testing. Allele origin: germline.
Comment: This sequence change replaces valine, which is neutral and non-polar, with alanine, which is neutral and non-polar, at codon 774 of the NIN protein (p.Val774Ala). This variant is present in population databases (no rsID available, gnomAD 0.0009%). This variant has not been reported in the literature in individuals affected with NIN-related conditions. ClinVar contains an entry for this variant (Variation ID: 3405651). An algorithm developed to predict the effect of missense changes on protein structure and function outputs the following: PolyPhen-2: "Benign". The alanine amino acid residue is found in multiple mammalian species, which suggests that this missense change does not adversely affect protein function. In summary, the available evidence is currently insufficient to determine the role of this variant in disease. Therefore, it has been classified as a Variant of Uncertain Significance.

Ambry Genetics
Classification: Uncertain significance. Last evaluated: 2024-07-10. Review status: criteria provided, single submitter. Criteria: Ambry Variant Classification Scheme 2023. Collection method: clinical testing. Allele origin: germline.